The following is an entry in ClinVar:

ClinVar aggregate classification (germline): Uncertain significance (1 of 4 stars; one submission).

Conditions:
Inborn genetic diseases. Identifiers: MedGen C0950123, MeSH D030342.

Submission:

Ambry Genetics
Classification: Uncertain significance for Inborn genetic diseases. Last evaluated: 2025-11-15. Review status: criteria provided, single submitter. Criteria: Ambry Variant Classification Scheme 2023. Collection method: clinical testing. Allele origin: germline.
Comment: The p.H275R variant (also known as c.824A>G), located in coding exon 5 of the ERCC6L2 gene, results from an A to G substitution at nucleotide position 824. The histidine at codon 275 is replaced by arginine, an amino acid with highly similar properties. This amino acid position is conserved. In addition, this alteration is predicted to be deleterious by in silico analysis. Based on the available evidence, the clinical significance of this variant remains unclear.

NM_020207.7(ERCC6L2):c.824A>G (p.His275Arg)

Gene: ERCC6L2 (ERCC excision repair 6 like 2; plus strand). Cytogenetic location: 9q22.32.
Variant type: single nucleotide variant.
Coding change: c.824A>G on transcript NM_020207.7 (MANE Select); coding-DNA position 824, A replaced by G.
Protein change: p.His275Arg; replaces histidine 275 with arginine.
Molecular consequence: missense variant. On other transcripts: non-coding transcript variant (1).
Genome position (GRCh38, 1-based): chr9:95,915,703, A>G. VCF-style: chr9-95915703-A-G. GRCh37 (hg19) VCF-style: chr9-98677985-A-G.
Other names: c.824A>G, p.His275Arg (NM_001010895.4, NM_001375291.1, NM_001375292.1 and 2 more transcripts); short protein forms H275R.
Identifiers: ClinVar variation 4618760 (VCV004618760.1).